The following is an entry in ClinVar:

NM_001378454.1(ALMS1):c.12295A>G (p.Arg4099Gly)

Genes: ALMS1 (ALMS1 centrosome and basal body associated protein; plus strand), LOC126806252 (BRD4-independent group 4 enhancer GRCh37_chr2:73828496-73829695; plus strand). Cytogenetic location: 2p13.1.
Variant type: single nucleotide variant.
Coding change: c.12295A>G on transcript NM_001378454.1 (MANE Select); coding-DNA position 12295, A replaced by G.
Protein change: p.Arg4099Gly; replaces arginine 4099 with glycine.
Molecular consequence: missense variant.
Genome position (GRCh38, 1-based): chr2:73,602,365, A>G. VCF-style: chr2-73602365-A-G. GRCh37 (hg19) VCF-style: chr2-73829492-A-G.
Other names: c.12298A>G, p.Arg4100Gly (NM_015120.4); short protein forms R4100G, R4099G.
Identifiers: ClinVar variation 393381 (VCV000393381.5), dbSNP rs1057524885, ClinGen allele CA16609247.

ClinVar aggregate classification (germline): Conflicting classifications of pathogenicity. Review status: criteria provided, conflicting classifications (1 of 4 stars). 3 submissions from 3 submitters: Uncertain significance (2); Likely benign (1). Last evaluated 2022-07-29.

Conditions:
Cardiovascular phenotype. Identifiers: MedGen CN230736.
Monogenic diabetes. Identifiers: Orphanet 183625, MedGen C3888631, MONDO:0015967.
Alstrom syndrome (ALMS). Identifiers: Orphanet 64, MedGen C0268425, MONDO:0008763, OMIM 203800.

Allele frequency attached by ClinVar (database versions not stated): gnomAD exomes 0.00001 and 0.00002; TOPMed 0.00002.
gnomAD v4.1: 28 of 1,614,154 alleles (0.0017%); highest among the groups gnomAD compares: Non-Finnish European, 0.0023%; no homozygotes.

Submissions (3):

Labcorp Genetics (formerly Invitae), Labcorp
Classification: Uncertain significance for Alstrom syndrome. Last evaluated: 2022-07-29. Review status: criteria provided, single submitter. Criteria: Invitae Variant Classification Sherloc (09022015). Collection method: clinical testing. Allele origin: germline.
Comment: This sequence change replaces arginine, which is basic and polar, with glycine, which is neutral and non-polar, at codon 4100 of the ALMS1 protein (p.Arg4100Gly). This variant is present in population databases (no rsID available, gnomAD 0.002%). This variant has not been reported in the literature in individuals affected with ALMS1-related conditions. ClinVar contains an entry for this variant (Variation ID: 393381). Experimental studies and prediction algorithms are not available or were not evaluated, and the functional significance of this variant is currently unknown. In summary, the available evidence is currently insufficient to determine the role of this variant in disease. Therefore, it has been classified as a Variant of Uncertain Significance.

Ambry Genetics
Classification: Uncertain significance for Cardiovascular phenotype. Last evaluated: 2021-12-22. Review status: criteria provided, single submitter. Criteria: Ambry Variant Classification Scheme 2023. Collection method: clinical testing. Allele origin: germline.

Personalized Diabetes Medicine Program, University of Maryland School of Medicine
Classification: Likely benign for Monogenic diabetes. Last evaluated: 2015-11-20. Review status: criteria provided, single submitter. Criteria: ACMG Guidelines, 2015. Collection method: research. Allele origin: unknown. Observed: 1 variant allele, 1 heterozygote.
Comment: ACMG Criteria: PP3, BP1, BP4